The following is an entry in ClinVar:

ClinVar aggregate classification (germline): Uncertain significance (1 of 4 stars; one submission).

Allele frequency attached by ClinVar (database versions not stated): gnomAD exomes below 0.00001.
gnomAD v4.1: 2 of 1,613,748 alleles (0.00012%); highest among the groups gnomAD compares: Admixed American, 0.0017%; no homozygotes.

Submission:

Labcorp Genetics (formerly Invitae), Labcorp
Classification: Uncertain significance. Last evaluated: 2025-05-26. Review status: criteria provided, single submitter. Criteria: Invitae Variant Classification Sherloc (09022015). Collection method: clinical testing. Allele origin: germline.
Comment: This sequence change replaces aspartic acid, which is acidic and polar, with histidine, which is basic and polar, at codon 185 of the FLNB protein (p.Asp185His). This variant is not present in population databases (gnomAD no frequency). This variant has not been reported in the literature in individuals affected with FLNB-related conditions. ClinVar contains an entry for this variant (Variation ID: 2846913). Invitae Evidence Modeling of protein sequence and biophysical properties (such as structural, functional, and spatial information, amino acid conservation, physicochemical variation, residue mobility, and thermodynamic stability) indicates that this missense variant is not expected to disrupt FLNB protein function with a negative predictive value of 95%. In summary, the available evidence is currently insufficient to determine the role of this variant in disease. Therefore, it has been classified as a Variant of Uncertain Significance.

NM_001457.4(FLNB):c.553G>C (p.Asp185His)

Gene: FLNB (filamin B; plus strand). Cytogenetic location: 3p14.3.
Variant type: single nucleotide variant.
Coding change: c.553G>C on transcript NM_001457.4 (MANE Select); coding-DNA position 553, G replaced by C.
Protein change: p.Asp185His; replaces aspartic acid 185 with histidine.
Molecular consequence: missense variant.
Genome position (GRCh38, 1-based): chr3:58,078,728, G>C. VCF-style: chr3-58078728-G-C. GRCh37 (hg19) VCF-style: chr3-58064455-G-C.
Other names: c.553G>C, p.Asp185His (NM_001164317.2, NM_001164318.2, NM_001164319.2); short protein forms D185H.
Identifiers: ClinVar variation 2846913 (VCV002846913.3), dbSNP rs1284111012, ClinGen allele CA353333776.